The following is an entry in ClinVar:

ClinVar aggregate classification (germline): Uncertain significance. Review status: criteria provided, multiple submitters, no conflicts (2 of 4 stars). 2 submissions from 2 submitters: Uncertain significance (2). Last evaluated 2024-10-21.

Conditions:
Peroxisome biogenesis disorder. Identifiers: Orphanet 79189, MedGen C1832200, MONDO:0019234. Disease mechanism: loss of function.

Allele frequency attached by ClinVar (database versions not stated): gnomAD exomes below 0.00001; ExAC 0.00001; gnomAD 0.00001.

Submissions (2):

Blueprint Genetics
Classification: Uncertain significance. Last evaluated: 2024-10-21. Review status: criteria provided, single submitter. Criteria: ACMG Guidelines, 2015. Collection method: clinical testing. Allele origin: germline.

Labcorp Genetics (formerly Invitae), Labcorp
Classification: Uncertain significance for Peroxisome biogenesis disorder. Last evaluated: 2022-08-16. Review status: criteria provided, single submitter. Criteria: Invitae Variant Classification Sherloc (09022015). Collection method: clinical testing. Allele origin: germline.
Comment: This sequence change replaces alanine, which is neutral and non-polar, with valine, which is neutral and non-polar, at codon 954 of the PEX6 protein (p.Ala954Val). This variant is present in population databases (rs767019091, gnomAD 0.0009%). This variant has not been reported in the literature in individuals affected with PEX6-related conditions. Algorithms developed to predict the effect of missense changes on protein structure and function are either unavailable or do not agree on the potential impact of this missense change (SIFT: "Deleterious"; PolyPhen-2: "Probably Damaging"; Align-GVGD: "Class C0"). Algorithms developed to predict the effect of sequence changes on RNA splicing suggest that this variant may create or strengthen a splice site. In summary, the available evidence is currently insufficient to determine the role of this variant in disease. Therefore, it has been classified as a Variant of Uncertain Significance.

NM_000287.4(PEX6):c.2861C>T (p.Ala954Val)

Gene: PEX6 (peroxisomal biogenesis factor 6; minus strand). Cytogenetic location: 6p21.1.
Variant type: single nucleotide variant.
Coding change: c.2861C>T on transcript NM_000287.4 (MANE Select); coding-DNA position 2861, C replaced by T.
Protein change: p.Ala954Val; replaces alanine 954 with valine.
Molecular consequence: missense variant. On other transcripts: non-coding transcript variant (1).
Genome position (GRCh38, 1-based): chr6:42,964,417, G>A on the plus strand (C>T on the coding strand, the complement: PEX6 is on the minus strand). VCF-style: chr6-42964417-G-A. GRCh37 (hg19) VCF-style: chr6-42932155-G-A.
Other names: c.2597C>T, p.Ala866Val (NM_001316313.2); short protein forms A866V, A954V.
Identifiers: ClinVar variation 2181111 (VCV002181111.2), dbSNP rs767019091, ClinGen allele CA3810884.